The following is an entry in ClinVar:

ClinVar aggregate classification (germline): Pathogenic/Likely pathogenic. Review status: criteria provided, multiple submitters, no conflicts (2 of 4 stars). 5 submissions from 5 submitters: Pathogenic (2); Likely pathogenic (2). 1 of the submissions does not count toward it. Last evaluated 2026-01-02.

Conditions:
PMFBP1-related disorder. Also called: PMFBP1-related condition.
Spermatogenic failure 31. Identifiers: MedGen C4748234, MONDO:0020852, OMIM 618112.

Allele frequency attached by ClinVar (database versions not stated): gnomAD exomes 0.00006 and 0.00019; ESP Exome Variant Server 0.00008; TOPMed 0.00008; gnomAD 0.00010 and 0.00013; ExAC 0.00021; 1000 Genomes Project 30x 0.00078; 1000 Genomes Project 0.00100.
gnomAD v4.1: 121 of 1,613,354 alleles (0.0075%); highest among the groups gnomAD compares: East Asian, 0.098%; no homozygotes.

Submissions (5):

PreventionGenetics, part of Exact Sciences
Classification: Likely pathogenic for PMFBP1-related condition. Last evaluated: 2026-01-02. Review status: criteria provided, single submitter. Criteria: ACMG Guidelines, 2015. Collection method: clinical testing. Allele origin: germline.
Comment: The PMFBP1 c.2725C>T variant is predicted to result in premature protein termination (p.Arg909*). This variant has been reported in the homozygous and compound heterozygous states in two Chinese individuals with oligozoospermia and acephalic spermatozoa (Zhu et al. 2018. PubMed ID: 30032984). This variant is reported in 0.17% of alleles in individuals of East Asian descent in gnomAD. Nonsense variants in PMFBP1 are expected to be pathogenic. This variant is interpreted as likely pathogenic.

Revvity Omics, Revvity
Classification: Likely pathogenic for Spermatogenic failure 31. Last evaluated: 2022-06-30. Review status: criteria provided, single submitter. Criteria: ACMG Guidelines, 2015. Collection method: clinical testing. Allele origin: germline.

Genetics and Genomic Medicine Centre, NeuroGen Healthcare, NeuroGen Healthcare
Classification: Pathogenic for Spermatogenic failure 31. Last evaluated: 2021-03-16. Review status: criteria provided, single submitter. Criteria: Submitter's publication. Collection method: clinical testing. Allele origin: unknown. Affected: no.

Juno Genomics, Hangzhou Juno Genomics, Inc
Classification: Pathogenic for Spermatogenic failure 31. Review status: criteria provided, single submitter. Criteria: ACMG Guidelines, 2015. Collection method: clinical testing. Allele origin: germline.
Comment: Null variant in a gene where loss of function (LOF) is a known mechanism of disease.;For recessive disorders, detected in trans with a pathogenic variant.;Patient's phenotype or family history is highly specific for a disease with a single genetic etiology.

OMIM
Classification: Pathogenic for SPERMATOGENIC FAILURE 31. Last evaluated: 2018-09-07. Review status: no assertion criteria provided. Collection method: literature only. Allele origin: germline. Not counted in ClinVar's aggregate classification.

Literature cited by the submitters: PubMed 30032984 (cited by OMIM).

NM_031293.3(PMFBP1):c.2725C>T (p.Arg909Ter)

Gene: PMFBP1 (polyamine modulated factor 1 binding protein 1; minus strand). Cytogenetic location: 16q22.2.
Variant type: single nucleotide variant.
Coding change: c.2725C>T on transcript NM_031293.3 (MANE Select); coding-DNA position 2725, C replaced by T.
Protein change: p.Arg909Ter; replaces arginine 909 with a stop codon.
Molecular consequence: nonsense.
Genome position (GRCh38, 1-based): chr16:72,122,957, G>A on the plus strand (C>T on the coding strand, the complement: PMFBP1 is on the minus strand). VCF-style: chr16-72122957-G-A. GRCh37 (hg19) VCF-style: chr16-72156856-G-A.
Other names: c.2290C>T, p.Arg764Ter (NM_001160213.2); short protein forms R909*, R764*.
Identifiers: ClinVar variation 560418 (VCV000560418.12), dbSNP rs140352254, ClinGen allele CA8161266.